The following is an entry in ClinVar:

NM_017763.6(RNF43):c.2091C>T (p.His697=)

Gene: RNF43 (ring finger protein 43; minus strand). Cytogenetic location: 17q22.
Variant type: single nucleotide variant.
Coding change: c.2091C>T on transcript NM_017763.6 (MANE Select); coding-DNA position 2091, C replaced by T.
Protein change: p.His697=; no amino-acid change (histidine 697 retained).
Molecular consequence: synonymous variant.
Genome position (GRCh38, 1-based): chr17:58,357,685, G>A on the plus strand (C>T on the coding strand, the complement: RNF43 is on the minus strand). VCF-style: chr17-58357685-G-A. GRCh37 (hg19) VCF-style: chr17-56435046-G-A.
Other names: c.2091C>T, p.His697= (NM_001305544.3); c.1710C>T, p.His570= (NM_001305545.2); c.2091C>T (NM_017763.4).
Identifiers: ClinVar variation 1166587 (VCV001166587.36), dbSNP rs199916345, ClinGen allele CA8673067.

ClinVar aggregate classification (germline): Conflicting classifications of pathogenicity. Review status: criteria provided, conflicting classifications (1 of 4 stars). 7 submissions from 7 submitters: Uncertain significance (1); Benign (2); Likely benign (3). 1 of the submissions does not count toward it. Last evaluated 2026-07-02.

Conditions:
RNF43-related disorder. Also called: RNF43-related condition.
Hyperplastic polyposis syndrome. Identifiers: Orphanet 157798, MedGen C4296896, MONDO:0015524.
Sessile serrated polyposis cancer syndrome (SSPCS). Identifiers: Orphanet 157798, MedGen C4310714, MONDO:0014919, OMIM 617108.

Allele frequency attached by ClinVar (database versions not stated): ESP Exome Variant Server 0.00031; gnomAD 0.00046 and 0.00049; TOPMed 0.00027.
gnomAD v4.1: 587 of 1,612,432 alleles (0.036%); highest among the groups gnomAD compares: Non-Finnish European, 0.031%; 2 homozygotes.

Submissions (7):

Myriad Genetics, Inc.
Classification: Benign for Sessile serrated polyposis cancer syndrome. Last evaluated: 2026-07-02. Review status: criteria provided, single submitter. Criteria: Myriad Autosomal Dominant, Autosomal Recessive and X-Linked Classification Criteria (2023). Collection method: clinical testing. Allele origin: unknown.
Comment: This variant is considered benign. This variant is a silent/synonymous amino acid change and it is not expected to impact splicing.

Labcorp Genetics (formerly Invitae), Labcorp
Classification: Benign. Last evaluated: 2026-01-15. Review status: criteria provided, single submitter. Criteria: Invitae Variant Classification Sherloc (09022015). Collection method: clinical testing. Allele origin: germline.

Center for Genomic Medicine, Rigshospitalet, Copenhagen University Hospital
Classification: Likely benign. Last evaluated: 2025-03-04. Review status: criteria provided, single submitter. Criteria: ACMG Guidelines, 2015. Collection method: clinical testing. Allele origin: germline.

Ambry Genetics
Classification: Likely benign. Last evaluated: 2024-10-02. Review status: criteria provided, single submitter. Criteria: Ambry Variant Classification Scheme 2023. Collection method: clinical testing. Allele origin: germline.

CeGaT Center for Human Genetics Tuebingen
Classification: Likely benign. Last evaluated: 2024-07-01. Review status: criteria provided, single submitter. Criteria: CeGaT Center For Human Genetics Tuebingen Variant Classification Criteria Version 2. Collection method: clinical testing. Allele origin: germline. Affected: yes. Observed: 1 variant allele.
Comment: RNF43: BP4, BP7

Department of Pathology and Laboratory Medicine, Sinai Health System
Classification: Uncertain significance for Hyperplastic polyposis syndrome. Last evaluated: 2024-06-17. Review status: criteria provided, single submitter. Criteria: ACMG Guidelines, 2015. Collection method: clinical testing. Allele origin: germline. Affected: yes.

PreventionGenetics, part of Exact Sciences
Classification: Likely benign for RNF43-related condition. Last evaluated: 2019-03-11. Review status: no assertion criteria provided. Collection method: clinical testing. Allele origin: germline. Not counted in ClinVar's aggregate classification.
Comment: This variant is classified as likely benign based on ACMG/AMP sequence variant interpretation guidelines (Richards et al. 2015 PMID: 25741868, with internal and published modifications).